The following is an entry in ClinVar:

NM_201599.3(ZMYM3):c.2455C>G (p.Pro819Ala)

Gene: ZMYM3 (zinc finger MYM-type containing 3; minus strand). Cytogenetic location: Xq13.1.
Variant type: single nucleotide variant.
Coding change: c.2455C>G on transcript NM_201599.3 (MANE Select); coding-DNA position 2455, C replaced by G.
Protein change: p.Pro819Ala; replaces proline 819 with alanine.
Molecular consequence: missense variant.
Genome position (GRCh38, 1-based): chrX:71,246,470, G>C on the plus strand (C>G on the coding strand, the complement: ZMYM3 is on the minus strand). VCF-style: chrX-71246470-G-C. GRCh37 (hg19) VCF-style: chrX-70466320-G-C.
Other names: c.2419C>G, p.Pro807Ala (NM_001171162.1); c.2455C>G, p.Pro819Ala (NM_005096.3); short protein forms P819A, P807A.
Identifiers: ClinVar variation 2136188 (VCV002136188.1), dbSNP rs2519824162, ClinGen allele CA413512264.

ClinVar aggregate classification (germline): Uncertain significance (1 of 4 stars; one submission).

Submission:

GeneDx
Classification: Uncertain significance. Last evaluated: 2022-04-08. Review status: criteria provided, single submitter. Criteria: GeneDx Variant Classification Process June 2021. Collection method: clinical testing. Allele origin: germline. Affected: yes.
Comment: Not observed at significant frequency in large population cohorts (gnomAD); In silico analysis supports that this missense variant has a deleterious effect on protein structure/function; Has not been previously published as pathogenic or benign to our knowledge; Variants in candidate genes are classified as variants of uncertain significance in accordance with ACMG guidelines (Richards et al., 2015)